The following is an entry in ClinVar:

ClinVar aggregate classification (germline): Uncertain significance (1 of 4 stars; one submission).

Conditions:
Hereditary cancer-predisposing syndrome. Also called: Neoplastic Syndromes, Hereditary; Tumor predisposition; Hereditary Cancer Syndrome; Hereditary neoplastic syndrome. Identifiers: Orphanet 140162, MedGen C0027672, MeSH D009386, MONDO:0015356.

Submission:

Ambry Genetics
Classification: Uncertain significance for Hereditary cancer-predisposing syndrome. Last evaluated: 2023-06-14. Review status: criteria provided, single submitter. Criteria: Ambry Variant Classification Scheme 2023. Collection method: clinical testing. Allele origin: germline.
Comment: The p.C216Y variant (also known as c.647G>A), located in coding exon 6 of the PMS2 gene, results from a G to A substitution at nucleotide position 647. The cysteine at codon 216 is replaced by tyrosine, an amino acid with highly dissimilar properties. This amino acid position is not well conserved in available vertebrate species. In addition, the in silico prediction for this alteration is inconclusive. Since supporting evidence is limited at this time, the clinical significance of this alteration remains unclear.

NM_000535.7(PMS2):c.647G>A (p.Cys216Tyr)

Gene: PMS2 (PMS1 homolog 2, mismatch repair system component; minus strand). Cytogenetic location: 7p22.1.
Variant type: single nucleotide variant.
Coding change: c.647G>A on transcript NM_000535.7 (MANE Select); coding-DNA position 647, G replaced by A.
Protein change: p.Cys216Tyr; replaces cysteine 216 with tyrosine.
Molecular consequence: missense variant. On other transcripts: 5 prime UTR variant (2), non-coding transcript variant (1), intron variant (1).
Genome position (GRCh38, 1-based): chr7:5,999,166, C>T on the plus strand (G>A on the coding strand, the complement: PMS2 is on the minus strand). VCF-style: chr7-5999166-C-T. GRCh37 (hg19) VCF-style: chr7-6038797-C-T.
Other names: c.242G>A, p.Cys81Tyr (NM_001018040.1, NM_001322003.2, NM_001322004.2 and 20 more transcripts); c.647G>A, p.Cys216Tyr (NM_001322006.2, NM_001322014.2, NM_001406870.1 and 4 more transcripts); c.329G>A, p.Cys110Tyr (NM_001322007.2, NM_001322008.2, NM_001406876.1 and 4 more transcripts); c.-287G>A (NM_001322011.2, NM_001322012.2); c.338G>A, p.Cys113Tyr (NM_001322015.2, NM_001406875.1, NM_001406877.1 and 6 more transcripts); c.833G>A, p.Cys278Tyr (NM_001406866.1); c.671G>A, p.Cys224Tyr (NM_001406868.1); c.311G>A, p.Cys104Tyr (NM_001406885.1); and 1 more; short protein forms C110Y, C278Y, C81Y, C113Y, C104Y, C216Y, C224Y.
Identifiers: ClinVar variation 1753751 (VCV001753751.3), dbSNP rs730881908, ClinGen allele CA366743921.